The following is an entry in ClinVar:

ClinVar aggregate classification (germline): Uncertain significance (1 of 4 stars; one submission).

gnomAD v4.1: 5 of 1,597,508 alleles (0.00031%); highest among the groups gnomAD compares: Non-Finnish European, 0.00042%; no homozygotes.

Submission:

GeneDx
Classification: Uncertain significance. Last evaluated: 2024-08-14. Review status: criteria provided, single submitter. Criteria: GeneDx Variant Classification Process June 2021. Collection method: clinical testing. Allele origin: germline. Affected: yes.
Comment: Not observed at significant frequency in large population cohorts (gnomAD); In silico analysis supports that this missense variant has a deleterious effect on protein structure/function; Has not been previously published as pathogenic or benign to our knowledge

NM_006267.5(RANBP2):c.497A>G (p.His166Arg)

Gene: RANBP2 (RAN binding protein 2; plus strand). Cytogenetic location: 2q13.
Variant type: single nucleotide variant.
Coding change: c.497A>G on transcript NM_006267.5 (MANE Select); coding-DNA position 497, A replaced by G.
Protein change: p.His166Arg; replaces histidine 166 with arginine.
Molecular consequence: missense variant.
Genome position (GRCh38, 1-based): chr2:108,735,623, A>G. VCF-style: chr2-108735623-A-G. GRCh37 (hg19) VCF-style: chr2-109352079-A-G.
Other names: c.497A>G, p.His166Arg (NM_001415871.1, NM_001415873.1); c.494A>G, p.His165Arg (NM_001415872.1); short protein forms H165R, H166R.
Identifiers: ClinVar variation 3731066 (VCV003731066.1).
Genomic context (GRCh38, chr2:108,735,623, plus strand): 5'-GATGGAATAAACTTTTTGACTTGATTCAGTCAGAACTTTATGTAAGACCTGATGACGTCC[A>G]TGTGAACATCCGGCTAGTGGAGGTGTATCGCTCAACTAAAAGATTGAAGGATGCTGTGGC-3'
Protein context (NP_006258.3, residues 156-176): SELYVRPDDV[His166Arg]VNIRLVEVYR